The following is an entry in ClinVar:

ClinVar aggregate classification (germline): Conflicting classifications of pathogenicity. Review status: criteria provided, conflicting classifications (1 of 4 stars). 9 submissions from 9 submitters: Uncertain significance (2); Benign (1); Likely benign (5). 1 of the submissions does not count toward it. Last evaluated 2026-07-01.

Conditions:
POLG-related disorder. Also called: POLG-related condition; POLG-Related Disorders; POLG-Related Spectrum Disorders. Identifiers: MedGen C4763519.
Inborn genetic diseases. Identifiers: MedGen C0950123, MeSH D030342.
Hereditary spastic paraplegia. Also called: Familial spastic paraparesis. Identifiers: Orphanet 685, MedGen C0037773, MONDO:0019064. Disease mechanism: loss of function.
Progressive sclerosing poliodystrophy (MTDPS4A). Also called: Alpers-Huttenlocher Syndrome (AHS); NEURONAL DEGENERATION OF CHILDHOOD WITH LIVER DISEASE, PROGRESSIVE; ALPERS PROGRESSIVE INFANTILE POLIODYSTROPHY; Alpers Syndrome; Alpers-Huttenlocher Syndrome; ALPERS DIFFUSE DEGENERATION OF CEREBRAL GRAY MATTER WITH HEPATIC CIRRHOSIS. Identifiers: Orphanet 726, MedGen C0205710, MONDO:0008758, OMIM 203700.

Allele frequency attached by ClinVar (database versions not stated): gnomAD exomes 0.00009 and 0.00014; TOPMed 0.00009; gnomAD 0.00011; ExAC 0.00017.
gnomAD v4.1: 222 of 1,559,800 alleles (0.014%); highest among the groups gnomAD compares: Non-Finnish European, 0.018%; no homozygotes.

Submissions (9):

CeGaT Center for Human Genetics Tuebingen
Classification: Likely benign. Last evaluated: 2026-07-01. Review status: criteria provided, single submitter. Criteria: CeGaT Center For Human Genetics Tuebingen Variant Classification Criteria Version 2. Collection method: clinical testing. Allele origin: germline. Affected: yes. Observed: 4 variant alleles.
Comment: POLG: BP4, BP7

Labcorp Genetics (formerly Invitae), Labcorp
Classification: Likely benign for Progressive sclerosing poliodystrophy. Last evaluated: 2026-01-19. Review status: criteria provided, single submitter. Criteria: Invitae Variant Classification Sherloc (09022015). Collection method: clinical testing. Allele origin: germline.

Mayo Clinic Laboratories, Mayo Clinic
Classification: Likely benign. Last evaluated: 2025-11-07. Review status: criteria provided, single submitter. Criteria: ACMG Guidelines, 2015. Collection method: clinical testing. Allele origin: germline. Observed: 1 variant allele.
Comment: BP4, BP7

Athena Diagnostics
Classification: Likely benign. Last evaluated: 2020-02-05. Review status: criteria provided, single submitter. Criteria: Athena Diagnostics Criteria. Collection method: clinical testing. Allele origin: unknown.

Ambry Genetics
Classification: Likely benign for Inborn genetic diseases. Last evaluated: 2019-07-30. Review status: criteria provided, single submitter. Criteria: Ambry Variant Classification Scheme 2023. Collection method: clinical testing. Allele origin: germline.

Illumina Laboratory Services, Illumina
Classification: Uncertain significance for POLG-Related Spectrum Disorders. Last evaluated: 2018-01-13. Review status: criteria provided, single submitter. Criteria: ICSL Variant Classification Criteria 13 December 2019. Collection method: clinical testing. Allele origin: germline.

Genome Diagnostics Laboratory, The Hospital for Sick Children
Classification: Uncertain significance for Hereditary spastic paraplegia. Last evaluated: 2016-12-12. Review status: criteria provided, single submitter. Criteria: ACMG Guidelines, 2015. Collection method: clinical testing. Allele origin: germline. Affected: yes.

GeneDx
Classification: Benign. Last evaluated: 2013-07-29. Review status: criteria provided, single submitter. Criteria: GeneDx Variant Classification (06012015). Collection method: clinical testing. Allele origin: germline. Affected: yes.
Comment: This variant is considered likely benign or benign based on one or more of the following criteria: it is a conservative change, it occurs at a poorly conserved position in the protein, it is predicted to be benign by multiple in silico algorithms, and/or has population frequency not consistent with disease.

PreventionGenetics, part of Exact Sciences
Classification: Likely benign for POLG-related condition. Last evaluated: 2019-07-19. Review status: no assertion criteria provided. Collection method: clinical testing. Allele origin: germline. Not counted in ClinVar's aggregate classification.
Comment: This variant is classified as likely benign based on ACMG/AMP sequence variant interpretation guidelines (Richards et al. 2015 PMID: 25741868, with internal and published modifications).

NM_002693.3(POLG):c.87C>T (p.Ser29=)

Genes: POLGARF (POLG alternative reading frame; minus strand), POLG (DNA polymerase gamma, catalytic subunit; minus strand). Cytogenetic location: 15q26.1.
Variant type: single nucleotide variant.
Coding change: c.87C>T on transcript NM_002693.3 (MANE Select); coding-DNA position 87, C replaced by T.
Protein change: p.Ser29=; no amino-acid change (serine 29 retained).
Molecular consequence: synonymous variant.
Genome position (GRCh38, 1-based): chr15:89,333,668, G>A on the plus strand (C>T on the coding strand, the complement: POLG is on the minus strand). VCF-style: chr15-89333668-G-A. GRCh37 (hg19) VCF-style: chr15-89876899-G-A.
Other names: p.S29S:TCC>TCT; p.Ser29=; c.87C>T, p.Ser29= (NM_001126131.2).
Identifiers: ClinVar variation 138755 (VCV000138755.60), dbSNP rs587781116, ClinGen allele CA292838.